The following is an entry in ClinVar:

ClinVar aggregate classification (germline): Uncertain significance (1 of 4 stars; one submission).

Conditions:
Severe combined immunodeficiency due to IKK2 deficiency. Also called: Immunodeficiency 15; IMMUNODEFICIENCY 15B. Identifiers: Orphanet 397787, MedGen C4747743, MONDO:0014267, OMIM 615592.

Allele frequency attached by ClinVar (database versions not stated): TOPMed 0.00001.

Submission:

Labcorp Genetics (formerly Invitae), Labcorp
Classification: Uncertain significance for Severe combined immunodeficiency due to IKK2 deficiency. Last evaluated: 2022-07-07. Review status: criteria provided, single submitter. Criteria: Invitae Variant Classification Sherloc (09022015). Collection method: clinical testing. Allele origin: germline.
Comment: This sequence change replaces glutamine, which is neutral and polar, with glutamic acid, which is acidic and polar, at codon 730 of the IKBKB protein (p.Gln730Glu). This variant is not present in population databases (gnomAD no frequency). This variant has not been reported in the literature in individuals affected with IKBKB-related conditions. Advanced modeling of protein sequence and biophysical properties (such as structural, functional, and spatial information, amino acid conservation, physicochemical variation, residue mobility, and thermodynamic stability) performed at Invitae indicates that this missense variant is not expected to disrupt IKBKB protein function. In summary, the available evidence is currently insufficient to determine the role of this variant in disease. Therefore, it has been classified as a Variant of Uncertain Significance.

NM_001556.3(IKBKB):c.2188C>G (p.Gln730Glu)

Gene: IKBKB (inhibitor of nuclear factor kappa B kinase subunit beta; plus strand). Cytogenetic location: 8p11.21.
Variant type: single nucleotide variant.
Coding change: c.2188C>G on transcript NM_001556.3 (MANE Select); coding-DNA position 2188, C replaced by G.
Protein change: p.Gln730Glu; replaces glutamine 730 with glutamic acid.
Molecular consequence: missense variant. On other transcripts: non-coding transcript variant (3).
Genome position (GRCh38, 1-based): chr8:42,329,197, C>G. VCF-style: chr8-42329197-C-G. GRCh37 (hg19) VCF-style: chr8-42186715-C-G.
Other names: c.1996C>G, p.Gln666Glu (NM_001190720.3); c.2011C>G, p.Gln671Glu (NM_001242778.2); short protein forms Q730E, Q666E, Q671E.
Identifiers: ClinVar variation 1908890 (VCV001908890.2), dbSNP rs1821349130, ClinGen allele CA371094904.